The following is an entry in ClinVar:

ClinVar aggregate classification (germline): Pathogenic. Review status: criteria provided, multiple submitters, no conflicts (2 of 4 stars). 3 submissions from 3 submitters: Pathogenic (2). 1 of the submissions does not count toward it. Last evaluated 2023-07-22.

Conditions:
Mitochondrial trifunctional protein deficiency. Identifiers: Orphanet 746, MedGen C1969443, MONDO:0012172.
Long chain 3-hydroxyacyl-CoA dehydrogenase deficiency. Also called: LCHAD Deficiency; Deficiency of long-chain 3-hydroxyacyl-coenzyme A dehydrogenase. Identifiers: Orphanet 5, MedGen C3711645, MONDO:0012173, OMIM 609016.

Allele frequency attached by ClinVar (database versions not stated): gnomAD exomes below 0.00001; gnomAD 0.00001.
gnomAD v4.1: 2 of 1,611,292 alleles (0.00012%); highest among the groups gnomAD compares: Non-Finnish European, 0.00017%; no homozygotes.

Submissions (5):

Baylor Genetics
Classification: Pathogenic for Long chain 3-hydroxyacyl-CoA dehydrogenase deficiency. Last evaluated: 2023-07-22. Review status: criteria provided, single submitter. Criteria: ACMG Guidelines, 2015. Collection method: clinical testing. Allele origin: unknown.

Labcorp Genetics (formerly Invitae), Labcorp
Classification: Pathogenic for Mitochondrial trifunctional protein deficiency; Long chain 3-hydroxyacyl-CoA dehydrogenase deficiency. Last evaluated: 2022-06-10. Review status: criteria provided, single submitter. Criteria: Invitae Variant Classification Sherloc (09022015). Collection method: clinical testing. Allele origin: germline.
Comment: This variant is present in population databases (no rsID available, gnomAD 0.002%). This sequence change affects an acceptor splice site in intron 4 of the HADHA gene. It is expected to disrupt RNA splicing. Variants that disrupt the donor or acceptor splice site typically lead to a loss of protein function (PMID: 16199547), and loss-of-function variants in HADHA are known to be pathogenic (PMID: 7738175, 21103935, 21549624, 22459206). Disruption of this splice site has been observed in individuals with HADHA-related conditions (PMID: 19852779; Invitae). For these reasons, this variant has been classified as Pathogenic. Algorithms developed to predict the effect of sequence changes on RNA splicing suggest that this variant may disrupt the consensus splice site. ClinVar contains an entry for this variant (Variation ID: 554431).

Counsyl
Classification: Likely pathogenic for Long chain 3-hydroxyacyl-CoA dehydrogenase deficiency. Last evaluated: 2017-10-18. Review status: no assertion criteria provided. Collection method: clinical testing. Allele origin: unknown. Not counted in ClinVar's aggregate classification.

Dr. Peter K. Rogan Lab, Western University
No classification provided (evidence only). Condition: Thyroid cancer, nonmedullary, 1. Review status: no classification provided. Collection method: in vitro. Allele origin: not applicable. Functional consequence: retained intron. Not counted in ClinVar's aggregate classification.

Dr. Peter K. Rogan Lab, Western University
No classification provided (evidence only). Condition: Nonpapillary renal cell carcinoma. Review status: no classification provided. Collection method: in vitro. Allele origin: not applicable. Functional consequence: retained intron. Not counted in ClinVar's aggregate classification.

Literature cited by the submitters: PubMed 16199547 (cited by Labcorp Genetics (formerly Invitae), Labcorp); PubMed 7738175 (cited by Labcorp Genetics (formerly Invitae), Labcorp); PubMed 21103935 (cited by Labcorp Genetics (formerly Invitae), Labcorp); PubMed 21549624 (cited by Labcorp Genetics (formerly Invitae), Labcorp); PubMed 22459206 (cited by Labcorp Genetics (formerly Invitae), Labcorp); PubMed 19852779 (cited by Labcorp Genetics (formerly Invitae), Labcorp and Counsyl).

NM_000182.5(HADHA):c.315-1G>A

Gene: HADHA (hydroxyacyl-CoA dehydrogenase trifunctional multienzyme complex subunit alpha; minus strand). Cytogenetic location: 2p23.3.
Variant type: single nucleotide variant.
Coding change: c.315-1G>A on transcript NM_000182.5 (MANE Select); the canonical splice acceptor site of the intron before coding-DNA position 315, G replaced by A.
Molecular consequence: splice acceptor variant.
Genome position (GRCh38, 1-based): chr2:26,234,356, C>T on the plus strand (G>A on the coding strand, the complement: HADHA is on the minus strand). VCF-style: chr2-26234356-C-T. GRCh37 (hg19) VCF-style: chr2-26457224-C-T.
Identifiers: ClinVar variation 554431 (VCV000554431.13), dbSNP rs1458898996, ClinGen allele CA346093861.